The following is an entry in ClinVar:

ClinVar aggregate classification (germline): Likely benign (1 of 4 stars; one submission).

Conditions:
Primary dilated cardiomyopathy (DCM). Also called: Dilated Cardiomyopathy. Identifiers: Orphanet 217604, MedGen C0007193, MeSH D002311, MONDO:0005021, HP:0001644. Inheritance: Various modes of inheritance.

Submission:

All of Us Research Program, National Institutes of Health
Classification: Likely benign for Primary dilated cardiomyopathy. Last evaluated: 2023-08-15. Review status: criteria provided, single submitter. Criteria: ACMG Guidelines, 2015. Collection method: clinical testing. Allele origin: germline. Inheritance: Autosomal dominant inheritance. Observed: 1 variant allele, 1 heterozygote.
Comment: This study involves interpretation of variants in research participants for the purpose of population health screening. Participant phenotype was not available at the time of variant classification. Additional details can be found in publication PMID: 35346344, PMCID: PMC8962531

NM_170707.4(LMNA):c.562C>T (p.Leu188=)

Gene: LMNA (lamin A/C; plus strand). Cytogenetic location: 1q22.
Variant type: single nucleotide variant.
Coding change: c.562C>T on transcript NM_170707.4 (MANE Select); coding-DNA position 562, C replaced by T.
Protein change: p.Leu188=; no amino-acid change (leucine 188 retained).
Molecular consequence: synonymous variant. On other transcripts: 5 prime UTR variant (4).
Genome position (GRCh38, 1-based): chr1:156,134,451, C>T. VCF-style: chr1-156134451-C-T. GRCh37 (hg19) VCF-style: chr1-156104242-C-T.
Other names: c.226C>T, p.Leu76= (NM_001257374.3, NM_001406989.1, NM_001406998.1); c.319C>T, p.Leu107= (NM_001282624.2, NM_001406986.1, NM_001406987.1); c.562C>T, p.Leu188= (NM_001282625.2, NM_001282626.2, NM_001406983.1 and 6 more transcripts); c.265C>T, p.Leu89= (NM_001406988.1); c.4C>T, p.Leu2= (NM_001406990.1, NM_001406993.1, NM_001406995.1 and 4 more transcripts); c.-103C>T (NM_001406994.1, NM_001406999.1, NM_001407000.1 and 1 more transcripts).
Identifiers: ClinVar variation 3072945 (VCV003072945.1), dbSNP rs2527967051, ClinGen allele CA421257612.